The following is an entry in ClinVar:

NM_000406.3(GNRHR):c.710C>A (p.Thr237Asn)

Gene: GNRHR (gonadotropin releasing hormone receptor; minus strand). Cytogenetic location: 4q13.2.
Variant type: single nucleotide variant.
Coding change: c.710C>A on transcript NM_000406.3 (MANE Select); coding-DNA position 710, C replaced by A.
Protein change: p.Thr237Asn; replaces threonine 237 with asparagine.
Molecular consequence: missense variant.
Genome position (GRCh38, 1-based): chr4:67,744,600, G>T on the plus strand (C>A on the coding strand, the complement: GNRHR is on the minus strand). VCF-style: chr4-67744600-G-T. GRCh37 (hg19) VCF-style: chr4-68610318-G-T.
Other names: c.582C>A, p.His194Gln (NM_001012763.2); c.710C>A (NM_000406.2); short protein forms H194Q, T237N.
Identifiers: ClinVar variation 3610816 (VCV003610816.3).

ClinVar aggregate classification (germline): Uncertain significance. Review status: criteria provided, multiple submitters, no conflicts (2 of 4 stars). 2 submissions from 2 submitters: Uncertain significance (2). Last evaluated 2025-09-28.

Conditions:
Inborn genetic diseases. Identifiers: MedGen C0950123, MeSH D030342.

gnomAD v4.1: 66 of 1,611,134 alleles (0.0041%); highest among the groups gnomAD compares: Non-Finnish European, 0.0054%; no homozygotes.

Submissions (2):

Ambry Genetics
Classification: Uncertain significance for Inborn genetic diseases. Last evaluated: 2025-09-28. Review status: criteria provided, single submitter. Criteria: Ambry Variant Classification Scheme 2023. Collection method: clinical testing. Allele origin: germline.

Labcorp Genetics (formerly Invitae), Labcorp
Classification: Uncertain significance. Last evaluated: 2024-05-13. Review status: criteria provided, single submitter. Criteria: Invitae Variant Classification Sherloc (09022015). Collection method: clinical testing. Allele origin: germline.
Comment: This sequence change replaces threonine, which is neutral and polar, with asparagine, which is neutral and polar, at codon 237 of the GNRHR protein (p.Thr237Asn). This variant is present in population databases (rs139615318, gnomAD 0.005%). This variant has not been reported in the literature in individuals affected with GNRHR-related conditions. Advanced modeling of protein sequence and biophysical properties (such as structural, functional, and spatial information, amino acid conservation, physicochemical variation, residue mobility, and thermodynamic stability) performed at Invitae indicates that this missense variant is not expected to disrupt GNRHR protein function with a negative predictive value of 80%. In summary, the available evidence is currently insufficient to determine the role of this variant in disease. Therefore, it has been classified as a Variant of Uncertain Significance.